The following is an entry in ClinVar:

ClinVar aggregate classification (germline): Likely benign. Review status: criteria provided, single submitter (1 of 4 stars). 2 submissions from 2 submitters: Likely benign (1). 1 of the submissions does not count toward it. Last evaluated 2025-08-02.

Conditions:
PLPP2-related disorder. Also called: PLPP2-related condition.

Allele frequency attached by ClinVar (database versions not stated): ExAC 0.00033; 1000 Genomes Project 30x 0.00078; 1000 Genomes Project 0.00080; TOPMed 0.00110; gnomAD 0.00113; ESP Exome Variant Server 0.00123.
gnomAD v4.1: 271 of 1,492,378 alleles (0.018%); highest among the groups gnomAD compares: African/African-American, 0.35%; no homozygotes.

Submissions (2):

Ambry Genetics
Classification: Likely benign. Last evaluated: 2025-08-02. Review status: criteria provided, single submitter. Criteria: Ambry Variant Classification Scheme 2023. Collection method: clinical testing. Allele origin: germline.

PreventionGenetics, part of Exact Sciences
Classification: Likely benign for PLPP2-related condition. Last evaluated: 2022-05-25. Review status: no assertion criteria provided. Collection method: clinical testing. Allele origin: germline. Not counted in ClinVar's aggregate classification.
Comment: This variant is classified as likely benign based on ACMG/AMP sequence variant interpretation guidelines (Richards et al. 2015 PMID: 25741868, with internal and published modifications).

NM_003712.4(PLPP2):c.721T>C (p.Cys241Arg)

Gene: PLPP2 (phospholipid phosphatase 2; minus strand). Cytogenetic location: 19p13.3.
Variant type: single nucleotide variant.
Coding change: c.721T>C on transcript NM_003712.4 (MANE Select); coding-DNA position 721, T replaced by C.
Protein change: p.Cys241Arg; replaces cysteine 241 with arginine.
Molecular consequence: missense variant.
Genome position (GRCh38, 1-based): chr19:281,534, A>G on the plus strand (T>C on the coding strand, the complement: PLPP2 is on the minus strand). VCF-style: chr19-281534-A-G. GRCh37 (hg19) VCF-style: chr19-281534-A-G.
Other names: c.553T>C, p.Cys185Arg (NM_177526.3); c.784T>C, p.Cys262Arg (NM_177543.3); c.784T>C (NM_177543.1); short protein forms C185R, C241R, C262R.
Identifiers: ClinVar variation 3051983 (VCV003051983.3), dbSNP rs61738956, ClinGen allele CA9013269.